The following is an entry in ClinVar:

ClinVar aggregate classification (germline): Uncertain significance. Review status: criteria provided, multiple submitters, no conflicts (2 of 4 stars). 5 submissions from 5 submitters: Uncertain significance (5). Last evaluated 2025-09-16.

Conditions:
Fanconi anemia complementation group P. Also called: SLX4-Related Fanconi Anemia. Identifiers: Orphanet 84, MedGen C3469542, MONDO:0013499, OMIM 613951.
Fanconi anemia (FA). Also called: Fanconi's anemia. Identifiers: Orphanet 84, MedGen C0015625, MeSH D005199, MONDO:0019391.
SLX4-related disorder. Also called: SLX4-related condition.

Allele frequency attached by ClinVar (database versions not stated): gnomAD exomes 0.00001 and 0.00002; gnomAD 0.00002; TOPMed 0.00002; ExAC 0.00003; ESP Exome Variant Server 0.00015.

Submissions (5):

PreventionGenetics, part of Exact Sciences
Classification: Uncertain significance for SLX4-related condition. Last evaluated: 2025-09-16. Review status: criteria provided, single submitter. Criteria: ACMG Guidelines, 2015. Collection method: clinical testing. Allele origin: germline.
Comment: The SLX4 c.217G>C variant is predicted to result in the amino acid substitution p.Glu73Gln. To our knowledge, this variant has not been reported in the literature. This variant is reported in 0.0062% of alleles in individuals of African descent in gnomAD. At this time, the clinical significance of this variant is uncertain due to the absence of conclusive functional and genetic evidence.

Blueprint Genetics
Classification: Uncertain significance. Last evaluated: 2024-10-21. Review status: criteria provided, single submitter. Criteria: ACMG Guidelines, 2015. Collection method: clinical testing. Allele origin: germline.

Fulgent Genetics
Classification: Uncertain significance for Fanconi anemia complementation group P. Last evaluated: 2024-04-18. Review status: criteria provided, single submitter. Criteria: ACMG Guidelines, 2015. Collection method: clinical testing. Allele origin: germline.

Labcorp Genetics (formerly Invitae), Labcorp
Classification: Uncertain significance for Fanconi anemia. Last evaluated: 2023-11-27. Review status: criteria provided, single submitter. Criteria: Invitae Variant Classification Sherloc (09022015). Collection method: clinical testing. Allele origin: germline.
Comment: This sequence change replaces glutamic acid, which is acidic and polar, with glutamine, which is neutral and polar, at codon 73 of the SLX4 protein (p.Glu73Gln). This variant is present in population databases (rs139829211, gnomAD 0.007%). This variant has not been reported in the literature in individuals affected with SLX4-related conditions. ClinVar contains an entry for this variant (Variation ID: 1316945). An algorithm developed to predict the effect of missense changes on protein structure and function (PolyPhen-2) suggests that this variant is likely to be disruptive. In summary, the available evidence is currently insufficient to determine the role of this variant in disease. Therefore, it has been classified as a Variant of Uncertain Significance.

GeneDx
Classification: Uncertain significance. Last evaluated: 2021-04-14. Review status: criteria provided, single submitter. Criteria: GeneDx Variant Classification Process June 2021. Collection method: clinical testing. Allele origin: germline. Affected: yes.
Comment: In silico analysis supports that this missense variant does not alter protein structure/function; Has not been previously published as pathogenic or benign to our knowledge

NM_032444.4(SLX4):c.217G>C (p.Glu73Gln)

Gene: SLX4 (SLX4 structure-specific endonuclease subunit; minus strand). Cytogenetic location: 16p13.3.
Variant type: single nucleotide variant.
Coding change: c.217G>C on transcript NM_032444.4 (MANE Select); coding-DNA position 217, G replaced by C.
Protein change: p.Glu73Gln; replaces glutamic acid 73 with glutamine.
Molecular consequence: missense variant.
Genome position (GRCh38, 1-based): chr16:3,608,748, C>G on the plus strand (G>C on the coding strand, the complement: SLX4 is on the minus strand). VCF-style: chr16-3608748-C-G. GRCh37 (hg19) VCF-style: chr16-3658749-C-G.
Other names: c.217G>C (NM_032444.3); short protein forms E73Q.
Identifiers: ClinVar variation 1316945 (VCV001316945.11), dbSNP rs139829211, ClinGen allele CA7866926.